The following is an entry in ClinVar:

NM_006767.4(LZTR1):c.485G>A (p.Trp162Ter)

Gene: LZTR1 (leucine zipper like post translational regulator 1; plus strand). Cytogenetic location: 22q11.21.
Variant type: single nucleotide variant.
Coding change: c.485G>A on transcript NM_006767.4 (MANE Select); coding-DNA position 485, G replaced by A.
Protein change: p.Trp162Ter; replaces tryptophan 162 with a stop codon.
Molecular consequence: nonsense.
Genome position (GRCh38, 1-based): chr22:20,988,094, G>A. VCF-style: chr22-20988094-G-A. GRCh37 (hg19) VCF-style: chr22-21342383-G-A.
Other names: short protein forms W162*.
Identifiers: ClinVar variation 1321013 (VCV001321013.10), dbSNP rs1458120855, ClinGen allele CA410779888.

ClinVar aggregate classification (germline): Pathogenic. Review status: criteria provided, multiple submitters, no conflicts (2 of 4 stars). 4 submissions from 4 submitters: Pathogenic (4). Last evaluated 2025-12-02.

Conditions:
Noonan syndrome 2 (NS2). Identifiers: Orphanet 648, MedGen C1854469, MONDO:0011531, OMIM 605275.
Noonan syndrome 10 (NS10). Identifiers: Orphanet 648, MedGen C4225280, MONDO:0014693, OMIM 616564.
Hereditary cancer-predisposing syndrome. Also called: Hereditary neoplastic syndrome; Neoplastic Syndromes, Hereditary; Tumor predisposition; Hereditary Cancer Syndrome. Identifiers: Orphanet 140162, MedGen C0027672, MeSH D009386, MONDO:0015356.
Cardiovascular phenotype. Identifiers: MedGen CN230736.

Allele frequency attached by ClinVar (database versions not stated): TOPMed below 0.00001; gnomAD 0.00001.
gnomAD v4.1: 6 of 1,611,462 alleles (0.00037%); highest among the groups gnomAD compares: African/African-American, 0.0027%; no homozygotes.

Submissions (4):

Labcorp Genetics (formerly Invitae), Labcorp
Classification: Pathogenic. Last evaluated: 2025-12-02. Review status: criteria provided, single submitter. Criteria: Invitae Variant Classification Sherloc (09022015). Collection method: clinical testing. Allele origin: germline.
Comment: This sequence change creates a premature translational stop signal (p.Trp162*) in the LZTR1 gene. It is expected to result in an absent or disrupted protein product. Loss-of-function variants in LZTR1 are known to be pathogenic (PMID: 24362817, 25335493, 25480913, 25795793, 29469822, 30368668, 30442762, 30442766, 30481304, 30859559). This variant is not present in population databases (gnomAD no frequency). This variant has not been reported in the literature in individuals affected with LZTR1-related conditions. ClinVar contains an entry for this variant (Variation ID: 1321013). Algorithms developed to predict the effect of sequence changes on RNA splicing suggest that this variant may disrupt the consensus splice site. For these reasons, this variant has been classified as Pathogenic.

Ambry Genetics
Classification: Pathogenic for Cardiovascular phenotype; Hereditary cancer-predisposing syndrome. Last evaluated: 2024-12-13. Review status: criteria provided, single submitter. Criteria: Ambry Variant Classification Scheme 2023. Collection method: clinical testing. Allele origin: germline.
Comment: The p.W162* pathogenic mutation (also known as c.485G>A), located in coding exon 5 of the LZTR1 gene, results from a G to A substitution at nucleotide position 485. This changes the amino acid from a tryptophan to a stop codon within coding exon 5. This alteration is expected to result in loss of function by premature protein truncation or nonsense-mediated mRNA decay. Loss-of-function variants in LZTR1 are related to an increased risk for schwannomas and autosomal recessive Noonan syndrome; however, such associations with autosomal dominant Noonan syndrome have not been observed (Piotrowski A et al. Nat Genet. 2014 Feb;46:182-7; Yamamoto GL et al. J Med Genet. 2015 Jun;52:413-21; Johnston JJ et al. Genet Med. 2018 10;20:1175-1185). Based on the supporting evidence, this variant is pathogenic for an increased risk of LZTR1-related schwannomatosis (SWN) and would be expected to cause autosomal recessive Noonan syndrome when present along with a second pathogenic or likely pathogenic variant on the other allele; however, the association of this alteration with autosomal dominant Noonan syndrome is unlikely.

Clinical Genomics Laboratory, Washington University in St. Louis
Classification: Pathogenic for Noonan syndrome 10; Noonan syndrome 2. Last evaluated: 2023-12-22. Review status: criteria provided, single submitter. Criteria: ACMG Guidelines, 2015. Collection method: clinical testing. Allele origin: germline. Affected: yes.
Comment: The LZTR1 c.485G>A (p.Trp162Ter) variant was identified at a near heterozygous allelic fraction of 48%, a frequency which may be consistent with it being of germline origin. This variant, to our knowledge, has not been reported in the medical literature but has been reported in the ClinVar database as a pathogenic variant by multiple submitters (ClinVar ID: 1321013). This single nucleotide variant occurs at a highly conserved base position and results in a premature termination codon, which is predicted to lead to nonsense mediated decay. This LZTR1 c.485G>A (p.Trp162Ter) variant is only observed on 6/1,611,462 alleles in the general population (gnomAD v.4.0.0), indicating it is not a common variant. Based on available information and the ACMG/AMP guidelines for variant interpretation (Richards S et al., PMID: 25741868), this variant is classified as pathogenic.

GeneDx
Classification: Pathogenic. Last evaluated: 2021-04-16. Review status: criteria provided, single submitter. Criteria: GeneDx Variant Classification Process June 2021. Collection method: clinical testing. Allele origin: germline. Affected: yes.
Comment: Nonsense variant predicted to result in protein truncation or nonsense mediated decay in a gene for which loss-of-function is a known mechanism of disease; Not observed in large population cohorts (Lek et al., 2016); Has not been previously published as pathogenic or benign to our knowledge

Literature cited by the submitters: PubMed 24362817 (cited by Labcorp Genetics (formerly Invitae), Labcorp); PubMed 25335493 (cited by Labcorp Genetics (formerly Invitae), Labcorp); PubMed 25480913 (cited by Labcorp Genetics (formerly Invitae), Labcorp); PubMed 25795793 (cited by Labcorp Genetics (formerly Invitae), Labcorp); PubMed 29469822 (cited by Labcorp Genetics (formerly Invitae), Labcorp); PubMed 30368668 (cited by Labcorp Genetics (formerly Invitae), Labcorp); PubMed 30442762 (cited by Labcorp Genetics (formerly Invitae), Labcorp); PubMed 30442766 (cited by Labcorp Genetics (formerly Invitae), Labcorp); PubMed 30481304 (cited by Labcorp Genetics (formerly Invitae), Labcorp); PubMed 30859559 (cited by Labcorp Genetics (formerly Invitae), Labcorp).